The following is an entry in ClinVar:

NM_080680.3(COL11A2):c.3150+15A>C

Gene: COL11A2 (collagen type XI alpha 2 chain; minus strand). Cytogenetic location: 6p21.32.
Variant type: single nucleotide variant.
Coding change: c.3150+15A>C on transcript NM_080680.3 (MANE Select); 15 bases into the intron after coding-DNA position 3150, A replaced by C.
Molecular consequence: intron variant.
Genome position (GRCh38, 1-based): chr6:33,171,698, T>G on the plus strand (A>C on the coding strand, the complement: COL11A2 is on the minus strand). VCF-style: chr6-33171698-T-G. GRCh37 (hg19) VCF-style: chr6-33139475-T-G.
Other names: c.2829+15A>C (NM_080679.3); c.2892+15A>C (NM_080681.3).
Identifiers: ClinVar variation 46564 (VCV000046564.29), dbSNP rs2855436, ClinGen allele CA138628.
Genomic context (GRCh38, chr6:33,171,698, plus strand): 5'-AAACTTGTCATAGCCCATCAACCCTAGGCTCACAGACCCCTCCCCAGTACCCCTCCCCAA[T>G]ACCCCCACACTCACTGGGACACCTTTCTCTCCTGCTGCTCCAGGGGGACCCTGCGGGCCT-3'

ClinVar aggregate classification (germline): Benign. Review status: criteria provided, multiple submitters, no conflicts (2 of 4 stars). 17 submissions from 12 submitters: Benign (13). 4 of the submissions do not count toward it. Last evaluated 2026-05-08.

Conditions:
Fibrochondrogenesis 2 (FBCG2). Identifiers: Orphanet 2021, MedGen C3281128, MONDO:0013795, OMIM 614524.
Otospondylomegaepiphyseal dysplasia, autosomal dominant (OSMEDA). Also called: COL11A2-Related Stickler Syndrome; Stickler syndrome, type 3; Pierre Robin syndrome with fetal chondrodysplasia. Identifiers: Orphanet 166100, Orphanet 3450, MedGen C1848488, MONDO:0008490, OMIM 184840.
Autosomal recessive nonsyndromic hearing loss 53. Identifiers: Orphanet 90636, MedGen C1864746, MONDO:0012333, OMIM 609706.
Otospondylomegaepiphyseal dysplasia, autosomal recessive (OSMEDB). Also called: CHONDRODYSTROPHY WITH SENSORINEURAL DEAFNESS; Insley-Astley syndrome. Identifiers: Orphanet 1427, MedGen CN034493, MONDO:0044206, OMIM 215150.
Autosomal dominant nonsyndromic hearing loss 13. Identifiers: Orphanet 90635, MedGen C1866095, MONDO:0011159, OMIM 601868.

Allele frequency attached by ClinVar (database versions not stated): ESP Exome Variant Server 0.77331; gnomAD 0.77853 and 0.78521; gnomAD exomes 0.78381; ExAC 0.78675; TOPMed 0.79442; 1000 Genomes Project 0.86941; 1000 Genomes Project 30x 0.87149.

Submissions (17):

Women's Health and Genetics/Laboratory Corporation of America, LabCorp
Classification: Benign. Last evaluated: 2026-05-08. Review status: criteria provided, single submitter. Criteria: LabCorp Variant Classification Summary - May 2015. Collection method: clinical testing. Allele origin: germline.

Labcorp Genetics (formerly Invitae), Labcorp
Classification: Benign. Last evaluated: 2026-02-04. Review status: criteria provided, single submitter. Criteria: Invitae Variant Classification Sherloc (09022015). Collection method: clinical testing. Allele origin: germline.

Blueprint Genetics
Classification: Benign. Last evaluated: 2024-11-27. Review status: criteria provided, single submitter. Criteria: ACMG Guidelines, 2015. Collection method: clinical testing. Allele origin: germline.

Genome-Nilou Lab
Classification: Benign for Autosomal dominant nonsyndromic hearing loss 13. Last evaluated: 2021-07-22. Review status: criteria provided, single submitter. Criteria: ACMG Guidelines, 2015. Collection method: clinical testing. Allele origin: germline. Affected: no.

Genome-Nilou Lab
Classification: Benign for Autosomal recessive nonsyndromic hearing loss 53. Last evaluated: 2021-07-22. Review status: criteria provided, single submitter. Criteria: ACMG Guidelines, 2015. Collection method: clinical testing. Allele origin: germline. Affected: no.

Genome-Nilou Lab
Classification: Benign for Fibrochondrogenesis 2. Last evaluated: 2021-07-22. Review status: criteria provided, single submitter. Criteria: ACMG Guidelines, 2015. Collection method: clinical testing. Allele origin: germline. Affected: no.

Genome-Nilou Lab
Classification: Benign for Otospondylomegaepiphyseal dysplasia, autosomal dominant. Last evaluated: 2021-07-22. Review status: criteria provided, single submitter. Criteria: ACMG Guidelines, 2015. Collection method: clinical testing. Allele origin: germline. Affected: no.

Genome-Nilou Lab
Classification: Benign for Otospondylomegaepiphyseal dysplasia, autosomal recessive. Last evaluated: 2021-07-22. Review status: criteria provided, single submitter. Criteria: ACMG Guidelines, 2015. Collection method: clinical testing. Allele origin: germline. Affected: no.

Illumina Laboratory Services, Illumina
Classification: Benign for Fibrochondrogenesis 2. Last evaluated: 2018-01-13. Review status: criteria provided, single submitter. Criteria: ICSL Variant Classification Criteria 13 December 2019. Collection method: clinical testing. Allele origin: germline.
Comment: This variant was observed in the ICSL laboratory as part of a predisposition screen in an ostensibly healthy population. It had not been previously curated by ICSL or reported in the Human Gene Mutation Database (HGMD: prior to June 1st, 2018), and was therefore a candidate for classification through an automated scoring system. Utilizing variant allele frequency, disease prevalence and penetrance estimates, and inheritance mode, an automated score was calculated to assess if this variant is too frequent to cause the disease. Based on the score and internal cut-off values, a variant classified as benign is not then subjected to further curation. The score for this variant resulted in a classification of benign for this disease.

Illumina Laboratory Services, Illumina
Classification: Benign for Otospondylomegaepiphyseal dysplasia, autosomal recessive. Last evaluated: 2018-01-13. Review status: criteria provided, single submitter. Criteria: ICSL Variant Classification Criteria 13 December 2019. Collection method: clinical testing. Allele origin: germline.
Comment: the same text as in the submission from Illumina Laboratory Services, Illumina above.

GeneDx
Classification: Benign. Last evaluated: 2016-09-29. Review status: criteria provided, single submitter. Criteria: GeneDx Variant Classification (06012015). Collection method: clinical testing. Allele origin: germline. Affected: yes.
Comment: This variant is considered likely benign or benign based on one or more of the following criteria: it is a conservative change, it occurs at a poorly conserved position in the protein, it is predicted to be benign by multiple in silico algorithms, and/or has population frequency not consistent with disease.

Laboratory for Molecular Medicine, Mass General Brigham Personalized Medicine
Classification: Benign. Last evaluated: 2012-04-30. Review status: criteria provided, single submitter. Criteria: LMM Criteria. Collection method: clinical testing. Allele origin: germline. Observed: 1,352 variant alleles.
Comment: 3150+15A>C in Intron 42 of COL11A2: This variant is not expected to have clinica l significance because it is not located within the conserved splice consensus s equence and has been identified in 27.5% (1234/4484) of European American chromo somes from a broad population by the NHLBI Exome Sequencing Project (.; dbSNP rs2855436).

PreventionGenetics, part of Exact Sciences
Classification: Benign. Review status: criteria provided, single submitter. Criteria: ACMG Guidelines, 2015. Collection method: clinical testing. Allele origin: germline.

Clinical Genetics DNA and cytogenetics Diagnostics Lab, Erasmus MC, Erasmus Medical Center
Classification: Benign. Review status: no assertion criteria provided. Collection method: clinical testing. Allele origin: germline. Affected: yes. Study: VKGL Data-share Consensus. Not counted in ClinVar's aggregate classification.

Diagnostic Laboratory, Department of Genetics, University Medical Center Groningen
Classification: Benign. Review status: no assertion criteria provided. Collection method: clinical testing. Allele origin: germline. Affected: yes. Study: VKGL Data-share Consensus. Not counted in ClinVar's aggregate classification.

Genome Diagnostics Laboratory, Amsterdam University Medical Center
Classification: Benign. Review status: no assertion criteria provided. Collection method: clinical testing. Allele origin: germline. Affected: yes. Study: VKGL Data-share Consensus. Not counted in ClinVar's aggregate classification.

Joint Genome Diagnostic Labs from Nijmegen and Maastricht, Radboudumc and MUMC+
Classification: Benign. Review status: no assertion criteria provided. Collection method: clinical testing. Allele origin: germline. Affected: yes. Study: VKGL Data-share Consensus. Not counted in ClinVar's aggregate classification.